The following is an entry in ClinVar:

ClinVar aggregate classification (germline): Pathogenic (1 of 4 stars; one submission).

Conditions:
Fanconi anemia (FA). Also called: Fanconi's anemia. Identifiers: Orphanet 84, MedGen C0015625, MeSH D005199, MONDO:0019391.

Submission:

Labcorp Genetics (formerly Invitae), Labcorp
Classification: Pathogenic for Fanconi anemia. Last evaluated: 2021-05-13. Review status: criteria provided, single submitter. Criteria: Invitae Variant Classification Sherloc (09022015). Collection method: clinical testing. Allele origin: germline.
Comment: For these reasons, this variant has been classified as Pathogenic. The region of the FANCA gene that includes exon(s) 9-14 has been determined to be clinically significant (Invitae). Therefore, deletions that encompass that region are likely to disrupt protein function and cause disease. This variant has been observed in individual(s) with clinical features of autosomal recessive FANCA-related conditions (PMID: 10521298, 21273304). This variant is a gross deletion of the genomic region encompassing exon(s) 6-14 of the FANCA gene. This variant would be expected to be in-frame, preserving the integrity of the reading frame.

Literature cited by the submitters: PubMed 10521298; PubMed 21273304.

NC_000016.9:g.(?_89857801)_(89874785_?)del

Gene: FANCA (FA complementation group A; minus strand). Cytogenetic location: 16q24.3.
Variant type: Deletion.
Identifiers: ClinVar variation 1454570 (VCV001454570.6).